The following is an entry in ClinVar:

NM_000520.6(HEXA):c.511_513delinsAAA (p.Gly171Lys)

Gene: HEXA (hexosaminidase subunit alpha; minus strand). Cytogenetic location: 15q23.
Variant type: Indel.
Coding change: c.511_513delinsAAA on transcript NM_000520.6 (MANE Select); coding-DNA positions 511 to 513, GGC replaced by AAA.
Protein change: p.Gly171Lys; replaces glycine 171 with lysine.
Molecular consequence: missense variant. On other transcripts: non-coding transcript variant (1).
Genome position (GRCh38, 1-based): chr15:72,353,125-72,353,127, GCC replaced by TTT on the plus strand (GGC replaced by AAA on the coding strand, the reverse complement: HEXA is on the minus strand). VCF-style: chr15-72353125-GCC-TTT. GRCh37 (hg19) VCF-style: chr15-72645466-GCC-TTT.
Other names: c.544_546delinsAAA, p.Gly182Lys (NM_001318825.2); short protein forms G171K, G182K.
Identifiers: ClinVar variation 3626784 (VCV003626784.2).

ClinVar aggregate classification (germline): Uncertain significance (1 of 4 stars; one submission).

Conditions:
Tay-Sachs disease (TSD). Also called: HEXA DEFICIENCY; GM2 gangliosidosis, type 1; Hexosaminidase alpha-subunit deficiency (variant B); Sphingolipidosis, Tay-Sachs; Hexosaminidase A Deficiency; HEXA Disorders. Identifiers: Orphanet 845, MedGen C0039373, MONDO:0010100, OMIM 272800.

Submission:

Labcorp Genetics (formerly Invitae), Labcorp
Classification: Uncertain significance for Tay-Sachs disease. Last evaluated: 2024-12-08. Review status: criteria provided, single submitter. Criteria: Invitae Variant Classification Sherloc (09022015). Collection method: clinical testing. Allele origin: germline.
Comment: This sequence change replaces glycine, which is neutral and non-polar, with lysine, which is basic and polar, at codon 171 of the HEXA protein (p.Gly171Lys). Information on the frequency of this variant in the gnomAD database is not available, as this variant may be reported differently in the database. This variant has not been reported in the literature in individuals affected with HEXA-related conditions. An algorithm developed to predict the effect of missense changes on protein structure and function (PolyPhen-2) suggests that this variant is likely to be disruptive. In summary, the available evidence is currently insufficient to determine the role of this variant in disease. Therefore, it has been classified as a Variant of Uncertain Significance.